The following is an entry in ClinVar:

NM_022455.5(NSD1):c.6622T>G (p.Cys2208Gly)

Gene: NSD1 (nuclear receptor binding SET domain protein 1; plus strand). Cytogenetic location: 5q35.3.
Variant type: single nucleotide variant.
Coding change: c.6622T>G on transcript NM_022455.5 (MANE Select); coding-DNA position 6622, T replaced by G.
Protein change: p.Cys2208Gly; replaces cysteine 2208 with glycine.
Molecular consequence: missense variant.
Genome position (GRCh38, 1-based): chr5:177,293,990, T>G. VCF-style: chr5-177293990-T-G. GRCh37 (hg19) VCF-style: chr5-176720991-T-G.
Other names: c.5749T>G, p.Cys1917Gly (NM_001365684.2, NM_001409308.1, NM_172349.5); c.6622T>G, p.Cys2208Gly (NM_001409301.1, NM_001409302.1, NM_001409303.1); c.6202T>G, p.Cys2068Gly (NM_001409304.1); c.5869T>G, p.Cys1957Gly (NM_001409305.1); c.5860T>G, p.Cys1954Gly (NM_001409306.1, NM_001409307.1); c.5500T>G, p.Cys1834Gly (NM_001409309.1); short protein forms C1834G, C1917G, C1954G, C1957G, C2068G, C2208G.
Identifiers: ClinVar variation 3377123 (VCV003377123.1).

ClinVar aggregate classification (germline): Uncertain significance (1 of 4 stars; one submission).

Conditions:
Sotos syndrome (SOTOS). Also called: Sotos' syndrome; Distinctive facial appearance, overgrowth in childhood, and learning disabilities or delayed development; CEREBRAL GIGANTISM; CHROMOSOME 5q35 DELETION SYNDROME; SOTOS SYNDROME 1. Identifiers: Orphanet 821, MedGen C0175695, MONDO:0019349, OMIM 117550.

Submission:

Victorian Clinical Genetics Services, Murdoch Childrens Research Institute
Classification: Uncertain significance for Sotos syndrome. Last evaluated: 2024-10-10. Review status: criteria provided, single submitter. Criteria: ACMG Guidelines, 2015. Collection method: clinical testing. Allele origin: germline. Inheritance: Autosomal dominant inheritance. Affected: yes.
Comment: Based on the classification scheme VCGS_Germline_v1.3.5, this variant is classified as VUS-3A. Following criteria are met: 0102 - Loss of function is a known mechanism of disease in this gene and is associated with Sotos syndrome (MIM#117550). (I) 0107 - This gene is associated with autosomal dominant disease. (I) 0200 - Variant is predicted to result in a missense amino acid change from cysteine to glycine. (I) 0251 - This variant is heterozygous. (I) 0301 - Variant is absent from gnomAD (v2, v3 and v4). (SP) 0501 - Missense variant consistently predicted to be damaging by multiple in silico tools or highly conserved with a major amino acid change. (SP) 0603 - Missense variant in a region that is highly intolerant to missense variation (high constraint region in DECIPHER). (SP) 0705 - No comparable missense variants have previous evidence for pathogenicity. (I) 0807 - This variant has no previous evidence of pathogenicity. (I) 0905 - No published segregation evidence has been identified for this variant. (I) 1007 - No published functional evidence has been identified for this variant. (SP) Legend: (SP) - Supporting pathogenic, (I) - Information, (SB) - Supporting benign